The following is an entry in ClinVar:

NM_001206999.2(CIT):c.4997C>A (p.Thr1666Asn)

Gene: CIT (citron rho-interacting serine/threonine kinase; minus strand). Cytogenetic location: 12q24.23.
Variant type: single nucleotide variant.
Coding change: c.4997C>A on transcript NM_001206999.2 (MANE Select); coding-DNA position 4997, C replaced by A.
Protein change: p.Thr1666Asn; replaces threonine 1666 with asparagine.
Molecular consequence: missense variant.
Genome position (GRCh38, 1-based): chr12:119,710,325, G>T on the plus strand (C>A on the coding strand, the complement: CIT is on the minus strand). VCF-style: chr12-119710325-G-T. GRCh37 (hg19) VCF-style: chr12-120148130-G-T.
Other names: c.4871C>A, p.Thr1624Asn (NM_007174.3); short protein forms T1624N, T1666N.
Identifiers: ClinVar variation 1702792 (VCV001702792.7), dbSNP rs139059313, ClinGen allele CA6821022.

ClinVar aggregate classification (germline): Uncertain significance. Review status: criteria provided, multiple submitters, no conflicts (2 of 4 stars). 2 submissions from 2 submitters: Uncertain significance (2). Last evaluated 2023-11-27.

Allele frequency attached by ClinVar (database versions not stated): gnomAD 0.00001; gnomAD exomes 0.00002 and 0.00003; TOPMed 0.00002; ExAC 0.00005; ESP Exome Variant Server 0.00015.
gnomAD v4.1: 30 of 1,614,112 alleles (0.0019%); highest among the groups gnomAD compares: Middle Eastern, 0.033%; no homozygotes.

Submissions (2):

Labcorp Genetics (formerly Invitae), Labcorp
Classification: Uncertain significance. Last evaluated: 2023-11-27. Review status: criteria provided, single submitter. Criteria: Invitae Variant Classification Sherloc (09022015). Collection method: clinical testing. Allele origin: germline.
Comment: This sequence change replaces threonine, which is neutral and polar, with asparagine, which is neutral and polar, at codon 1666 of the CIT protein (p.Thr1666Asn). This variant is present in population databases (rs139059313, gnomAD 0.007%). This variant has not been reported in the literature in individuals affected with CIT-related conditions. ClinVar contains an entry for this variant (Variation ID: 1702792). An algorithm developed to predict the effect of missense changes on protein structure and function (PolyPhen-2) suggests that this variant is likely to be disruptive. In summary, the available evidence is currently insufficient to determine the role of this variant in disease. Therefore, it has been classified as a Variant of Uncertain Significance.

GeneDx
Classification: Uncertain significance. Last evaluated: 2022-02-16. Review status: criteria provided, single submitter. Criteria: GeneDx Variant Classification Process June 2021. Collection method: clinical testing. Allele origin: germline. Affected: yes.
Comment: Not observed at significant frequency in large population cohorts (gnomAD); In silico analysis supports that this missense variant does not alter protein structure/function; Has not been previously published as pathogenic or benign to our knowledge